The following is an entry in ClinVar:

ClinVar aggregate classification (germline): Conflicting classifications of pathogenicity. Review status: criteria provided, conflicting classifications (1 of 4 stars). 8 submissions from 8 submitters: Pathogenic (2); Likely pathogenic (4); Uncertain significance (2). Last evaluated 2026-03-02.

Conditions:
MCCC1-related disorder. Also called: MCCC1-related condition.
Methylcrotonyl-CoA carboxylase deficiency. Also called: 3 Methylcrotonylglycinuria; 3-MCC Deficiency; Deficiency of methylcrotonoyl-CoA carboxylase. Identifiers: Orphanet 6, MedGen C4551505, MONDO:0018950.
3-methylcrotonyl-CoA carboxylase 1 deficiency (MCC1D). Also called: MCC 1 deficiency; 3 Alpha methylcrotonylglycinuria 1; MCCD TYPE 1; METHYLCROTONYLGLYCINURIA TYPE I. Identifiers: Orphanet 6, MedGen CN028786, MONDO:0008861, OMIM 210200.

Allele frequency attached by ClinVar (database versions not stated): gnomAD 0.00011 and 0.00012; gnomAD exomes 0.00014 and 0.00016; TOPMed 0.00017; ESP Exome Variant Server 0.00023; ExAC 0.00029.
gnomAD v4.1: 247 of 1,598,522 alleles (0.015%); highest among the groups gnomAD compares: Admixed American, 0.031%; no homozygotes.

Submissions (8):

PreventionGenetics, part of Exact Sciences
Classification: Likely pathogenic for MCCC1-related condition. Last evaluated: 2026-03-02. Review status: criteria provided, single submitter. Criteria: ACMG Guidelines, 2015. Collection method: clinical testing. Allele origin: germline.
Comment: The MCCC1 c.872C>T variant is predicted to result in the amino acid substitution p.Ala291Val. This variant was reported in a patient identified via newborn screening. The authors noted RNA from the second allele in the reported patient was not detectable, suggesting the presence of a second variant that may result in RNA degradation (Dantas et al. 2005. PubMed ID: 16010683; Grünert et al. 2012. PubMed ID: 22642865). Furthermore, in an in vitro study of the 3-methylcrotonyl-CoA carboxylase enzyme (MCC) carrying the p.Ala291Val change, enzyme activity was reportedly decreased to 26% of control (Dantas et al. 2005. PubMed ID: 16010683). This variant has also been reported along with a second MCCC1 variant in additional patients with an abnormal newborn screen result and follow up confirmatory biochemical testing consistent with MCC deficiency (Table S2, Navarrete et al. 2019. PubMed ID: 30626930; Wang et al. 2019. PubMed ID: 31730530; Martín-Rivada et al. 2022. PubMed ID: 35281663). This variant was also identified in an individual with profound MCC deficiency by enzyme testing in lymphocytes; a second variant was not identified in that individual (Shepard et al. 2014. PubMed ID: 25356967). This variant is reported in 0.033% of alleles in individuals of Latino descent in gnomAD. Taken together, this variant is interpreted as likely pathogenic.

Labcorp Genetics (formerly Invitae), Labcorp
Classification: Pathogenic for 3-methylcrotonyl-CoA carboxylase 1 deficiency. Last evaluated: 2026-01-20. Review status: criteria provided, single submitter. Criteria: Invitae Variant Classification Sherloc (09022015). Collection method: clinical testing. Allele origin: germline.
Comment: This sequence change replaces alanine, which is neutral and non-polar, with valine, which is neutral and non-polar, at codon 291 of the MCCC1 protein (p.Ala291Val). This variant is present in population databases (rs201041864, gnomAD 0.03%). This missense change has been observed in individuals with biochemical testing consistent with 3-MCC deficiency (PMID: 16010683, 22642865, 30626930; internal data). ClinVar contains an entry for this variant (Variation ID: 476401). An algorithm developed to predict the effect of missense changes on protein structure and function (PolyPhen-2) suggests that this variant is likely to be disruptive. Experimental studies have shown that this missense change affects MCCC1 function (PMID: 16010683). For these reasons, this variant has been classified as Pathogenic.

Dasa
Classification: Uncertain significance. Last evaluated: 2026-01-12. Review status: criteria provided, single submitter. Criteria: DASA Assertion Criteria. Collection method: clinical testing. Allele origin: germline.
Comment: NM_020166.5(MCCC1):c.872C>T (p.Ala291Val) is a missense variant that results in the substitution of alanine with valine. This variant has been reported in individuals with MCCC1-related disorders (PMID: 35281663). Also, this variant is rare in population databases. Computational prediction algorithms are consistent with a deleterious effect. The currently available literature and clinical evidence are not sufficient to establish a definitive association between this variant and the reported condition. Therefore, this variant is classified as a variant of uncertain significance.

GeneDx
Classification: Likely pathogenic. Last evaluated: 2025-12-04. Review status: criteria provided, single submitter. Criteria: GeneDx Variant Classification Process June 2021. Collection method: clinical testing. Allele origin: germline. Affected: yes.
Comment: Expression studies found that this variant is associated with significantly reduced MCC activity compared to wild-type (PMID: 16010683); In silico analysis supports that this missense variant has a deleterious effect on protein structure/function; This variant is associated with the following publications: (PMID: 30626930, 35281663, 31737040, 16010683, 22642865, 31730530)

Fulgent Genetics
Classification: Likely pathogenic for 3-methylcrotonyl-CoA carboxylase 1 deficiency. Last evaluated: 2024-06-12. Review status: criteria provided, single submitter. Criteria: ACMG Guidelines, 2015. Collection method: clinical testing. Allele origin: germline.

Baylor Genetics
Classification: Pathogenic for 3-methylcrotonyl-CoA carboxylase 1 deficiency. Last evaluated: 2024-03-29. Review status: criteria provided, single submitter. Criteria: ACMG Guidelines, 2015. Collection method: clinical testing. Allele origin: unknown.

Women's Health and Genetics/Laboratory Corporation of America, LabCorp
Classification: Likely pathogenic for Methylcrotonyl-CoA carboxylase deficiency. Last evaluated: 2023-11-01. Review status: criteria provided, single submitter. Criteria: LabCorp Variant Classification Summary - May 2015. Collection method: clinical testing. Allele origin: germline.
Comment: Variant summary: MCCC1 c.872C>T (p.Ala291Val) results in a non-conservative amino acid change located in the Carbamoyl-phosphate synthetase large subunit-like, ATP-binding domain (IPR005479) of the encoded protein sequence. Five of five in-silico tools predict a damaging effect of the variant on protein function. Consensus agreement among computation tools predict no significant impact on normal splicing. However, these predictions have yet to be confirmed by functional studies. The variant allele was found at a frequency of 0.00014 in 230448 control chromosomes. This frequency is not significantly higher than estimated for a pathogenic variant in MCCC1 causing Methylcrotonyl-CoA Carboxylase Deficiency (0.00014 vs 0.0042), allowing no conclusion about variant significance. c.872C>T has been reported in the literature in multiple individuals affected with Methylcrotonyl-CoA Carboxylase Deficiency (Dantas_2005, Shepard_2015, Wang_2019, Navarrete_2019, Martn-Rivada_2022). These data indicate that the variant is likely to be associated with disease. The variant was examined via transfection assays using MCCC1 deficient cells, and the variant was found with 26% enzymatic activity compared to wild-type (Dantas_2005). The following publications have been ascertained in the context of this evaluation (PMID: 25356967, 30626930, 16010683, 31730530, 35281663). Three submitters have cited clinical-significance assessments for this variant to ClinVar after 2014 and classified this variant as uncertain significance, likely pathogenic and pathogenic. Based on the evidence outlined above, the variant was classified as likely pathogenic.

Eurofins Ntd Llc (ga)
Classification: Uncertain significance. Last evaluated: 2016-11-30. Review status: criteria provided, single submitter. Criteria: EGL Classification Definitions 2015. Collection method: clinical testing. Allele origin: germline. Observed: 2 variant alleles, 2 heterozygotes.

Literature cited by the submitters: PubMed 16010683 (cited by Labcorp Genetics (formerly Invitae), Labcorp and Women's Health and Genetics/Laboratory Corporation of America, LabCorp); PubMed 22642865 (cited by Labcorp Genetics (formerly Invitae), Labcorp); PubMed 30626930 (cited by Labcorp Genetics (formerly Invitae), Labcorp and Women's Health and Genetics/Laboratory Corporation of America, LabCorp); PubMed 35281663 (cited by Dasa and Women's Health and Genetics/Laboratory Corporation of America, LabCorp); PubMed 25356967 (cited by Women's Health and Genetics/Laboratory Corporation of America, LabCorp); PubMed 31730530 (cited by Women's Health and Genetics/Laboratory Corporation of America, LabCorp).

NM_020166.5(MCCC1):c.872C>T (p.Ala291Val)

Gene: MCCC1 (methylcrotonyl-CoA carboxylase subunit 1; minus strand). Cytogenetic location: 3q27.1.
Variant type: single nucleotide variant.
Coding change: c.872C>T on transcript NM_020166.5 (MANE Select); coding-DNA position 872, C replaced by T.
Protein change: p.Ala291Val; replaces alanine 291 with valine.
Molecular consequence: missense variant. On other transcripts: non-coding transcript variant (2).
Genome position (GRCh38, 1-based): chr3:183,057,312, G>A on the plus strand (C>T on the coding strand, the complement: MCCC1 is on the minus strand). VCF-style: chr3-183057312-G-A. GRCh37 (hg19) VCF-style: chr3-182775100-G-A.
Other names: c.521C>T, p.Ala174Val (NM_001293273.2); c.545C>T, p.Ala182Val (NM_001363880.1); short protein forms A291V, A174V, A182V.
Identifiers: ClinVar variation 476401 (VCV000476401.30), dbSNP rs201041864, ClinGen allele CA2718955.